The following is an entry in ClinVar:

ClinVar aggregate classification (germline): Pathogenic/Likely pathogenic. Review status: criteria provided, multiple submitters, no conflicts (2 of 4 stars). 4 submissions from 4 submitters: Pathogenic (1); Likely pathogenic (3). Last evaluated 2025-04-28.

Conditions:
Hepatoencephalopathy due to combined oxidative phosphorylation defect type 1. Also called: HEPATOENCEPHALOPATHY, EARLY FATAL PROGRESSIVE. Identifiers: Orphanet 137681, MedGen C1836797, MONDO:0012191, OMIM 609060.

Allele frequency attached by ClinVar (database versions not stated): gnomAD exomes below 0.00001; TOPMed below 0.00001; ExAC 0.00001; gnomAD 0.00001.

Submissions (4):

Natera, Inc.
Classification: Likely pathogenic for Combined oxidative phosphorylation deficiency 1. Last evaluated: 2025-04-28. Review status: criteria provided, single submitter. Criteria: Natera Variant Classification Schema (03/2026). Collection method: clinical testing. Allele origin: germline.
Comment: The c.89_99delGGAAGGCCTGC variant in GFM1 is a frameshift variant predicted to shift the reading frame beginning at codon 30 and leads to a stop codon 10 codons downstream. This variant is expected to result in nonsense mediated decay, truncation, or a dysfunctional protein product. This variant is rare in the general population with a frequency below the threshold expected for the associated phenotype(s). Given the available evidence, this variant is classified as Likely Pathogenic.

Baylor Genetics
Classification: Likely pathogenic for Hepatoencephalopathy due to combined oxidative phosphorylation defect type 1. Last evaluated: 2022-09-01. Review status: criteria provided, single submitter. Criteria: ACMG Guidelines, 2015. Collection method: clinical testing. Allele origin: unknown.

Revvity Omics, Revvity
Classification: Likely pathogenic for Hepatoencephalopathy due to combined oxidative phosphorylation defect type 1. Last evaluated: 2021-12-29. Review status: criteria provided, single submitter. Criteria: ACMG Guidelines, 2015. Collection method: clinical testing. Allele origin: germline.

Labcorp Genetics (formerly Invitae), Labcorp
Classification: Pathogenic. Last evaluated: 2021-11-10. Review status: criteria provided, single submitter. Criteria: Invitae Variant Classification Sherloc (09022015). Collection method: clinical testing. Allele origin: germline.
Comment: For these reasons, this variant has been classified as Pathogenic. This variant has not been reported in the literature in individuals affected with GFM1-related conditions. This variant is present in population databases (rs763423294, gnomAD 0.007%). This sequence change creates a premature translational stop signal (p.Trp30Serfs*10) in the GFM1 gene. It is expected to result in an absent or disrupted protein product. Loss-of-function variants in GFM1 are known to be pathogenic (PMID: 16632485, 17160893).

Literature cited by the submitters: PubMed 16632485 (cited by Labcorp Genetics (formerly Invitae), Labcorp); PubMed 17160893 (cited by Labcorp Genetics (formerly Invitae), Labcorp).

NM_024996.7(GFM1):c.89_99del (p.Trp30fs)

Gene: GFM1 (G elongation factor mitochondrial 1; plus strand). Cytogenetic location: 3q25.32.
Variant type: Deletion.
Coding change: c.89_99del on transcript NM_024996.7 (MANE Select); coding-DNA positions 89 to 99, 11 bases deleted (GGAAGGCCTGC).
Protein change: p.Trp30fs; shifts the reading frame from tryptophan 30.
Molecular consequence: frameshift variant. On other transcripts: 5 prime UTR variant (4), non-coding transcript variant (4).
Genome position (GRCh38, 1-based): chr3:158,645,636-158,645,646, GGAAGGCCTGC deleted. VCF-style (leftmost placement, unchanged base first): chr3-158645635-TGGAAGGCCTGC-T. GRCh37 (hg19) VCF-style: chr3-158363424-TGGAAGGCCTGC-T.
Other names: c.89_99del (NM_024996.5); c.89_99delGGAAGGCCTGC (NM_024996.5); c.89_99del, p.Trp30fs (NM_001308164.2, NM_001308166.2, NM_001374355.1 and 2 more transcripts); c.-137_-127del (NM_001374357.1); c.-141_-131del (NM_001374359.1, NM_001374360.1, NM_001374361.1); short protein forms W30fs.
Identifiers: ClinVar variation 1456973 (VCV001456973.10), dbSNP rs763423294, ClinGen allele CA2682219.